The following is an entry in ClinVar:

NM_000245.4(MET):c.2893G>C (p.Gly965Arg)

Gene: MET (MET proto-oncogene, receptor tyrosine kinase; plus strand). Cytogenetic location: 7q31.2.
Variant type: single nucleotide variant.
Coding change: c.2893G>C on transcript NM_000245.4 (MANE Select); coding-DNA position 2893, G replaced by C.
Protein change: p.Gly965Arg; replaces glycine 965 with arginine.
Molecular consequence: missense variant.
Genome position (GRCh38, 1-based): chr7:116,771,854, G>C. VCF-style: chr7-116771854-G-C. GRCh37 (hg19) VCF-style: chr7-116411908-G-C.
Other names: c.2947G>C, p.Gly983Arg (NM_001127500.3); c.1603G>C, p.Gly535Arg (NM_001324402.2); short protein forms G535R, G983R, G965R.
Identifiers: ClinVar variation 3294361 (VCV003294361.1).

ClinVar aggregate classification (germline): Uncertain significance (1 of 4 stars; one submission).

Conditions:
Hereditary cancer-predisposing syndrome. Also called: Tumor predisposition; Hereditary Cancer Syndrome; Hereditary neoplastic syndrome; Neoplastic Syndromes, Hereditary. Identifiers: Orphanet 140162, MedGen C0027672, MeSH D009386, MONDO:0015356.

gnomAD v4.1: 1 of 1,613,582 alleles (0.000062%); highest among the groups gnomAD compares: Non-Finnish European, 0.000085%; no homozygotes.

Submission:

Ambry Genetics
Classification: Uncertain significance for Hereditary cancer-predisposing syndrome. Last evaluated: 2024-05-11. Review status: criteria provided, single submitter. Criteria: Ambry Variant Classification Scheme 2023. Collection method: clinical testing. Allele origin: germline.
Comment: The p.G983R variant (also known as c.2947G>C), located in coding exon 13 of the MET gene, results from a G to C substitution at nucleotide position 2947. The glycine at codon 983 is replaced by arginine, an amino acid with dissimilar properties. This amino acid position is conserved. In addition, this alteration is predicted to be tolerated by in silico analysis. Based on the available evidence, the clinical significance of this variant remains unclear.